The following is an entry in ClinVar:

ClinVar aggregate classification (germline): Benign/Likely benign. Review status: criteria provided, multiple submitters, no conflicts (2 of 4 stars). 2 submissions from 2 submitters: Benign (1); Likely benign (1). Last evaluated 2024-04-01.

Allele frequency attached by ClinVar (database versions not stated): gnomAD 0.00003 and 0.00007; TOPMed 0.00006; ExAC 0.00018; gnomAD exomes 0.00018; 1000 Genomes Project 30x 0.00031; 1000 Genomes Project 0.00040.
gnomAD v4.1: 155 of 1,600,036 alleles (0.0097%); highest among the groups gnomAD compares: East Asian, 0.29%; 1 homozygote.

Submissions (2):

Labcorp Genetics (formerly Invitae), Labcorp
Classification: Benign. Last evaluated: 2024-04-01. Review status: criteria provided, single submitter. Criteria: Invitae Variant Classification Sherloc (09022015). Collection method: clinical testing. Allele origin: germline.

CeGaT Center for Human Genetics Tuebingen
Classification: Likely benign. Last evaluated: 2022-10-01. Review status: criteria provided, single submitter. Criteria: CeGaT Center For Human Genetics Tuebingen Variant Classification Criteria Version 2. Collection method: clinical testing. Allele origin: germline. Affected: yes. Observed: 1 variant allele.
Comment: GRXCR2: BP4, BP7

NM_001080516.2(GRXCR2):c.324G>A (p.Ala108=)

Gene: GRXCR2 (glutaredoxin and cysteine rich domain containing 2; minus strand). Cytogenetic location: 5q32.
Variant type: single nucleotide variant.
Coding change: c.324G>A on transcript NM_001080516.2 (MANE Select); coding-DNA position 324, G replaced by A.
Protein change: p.Ala108=; no amino-acid change (alanine 108 retained).
Molecular consequence: synonymous variant.
Genome position (GRCh38, 1-based): chr5:145,872,645, C>T on the plus strand (G>A on the coding strand, the complement: GRXCR2 is on the minus strand). VCF-style: chr5-145872645-C-T. GRCh37 (hg19) VCF-style: chr5-145252208-C-T.
Identifiers: ClinVar variation 1611224 (VCV001611224.32), dbSNP rs200430935, ClinGen allele CA3488053.